The following is an entry in ClinVar:

ClinVar aggregate classification (germline): Uncertain significance. Review status: criteria provided, multiple submitters, no conflicts (2 of 4 stars). 2 submissions from 2 submitters: Uncertain significance (2). Last evaluated 2025-12-24.

Conditions:
Inborn genetic diseases. Identifiers: MedGen C0950123, MeSH D030342.

Allele frequency attached by ClinVar (database versions not stated): gnomAD 0.00001; gnomAD exomes 0.00002; TOPMed 0.00002.
gnomAD v4.1: 29 of 1,576,020 alleles (0.0018%); highest among the groups gnomAD compares: Middle Eastern, 0.02%; no homozygotes.

Submissions (2):

Labcorp Genetics (formerly Invitae), Labcorp
Classification: Uncertain significance. Last evaluated: 2025-12-24. Review status: criteria provided, single submitter. Criteria: Invitae Variant Classification Sherloc (09022015). Collection method: clinical testing. Allele origin: germline.
Comment: This sequence change replaces arginine, which is basic and polar, with tryptophan, which is neutral and slightly polar, at codon 438 of the TCF3 protein (p.Arg438Trp). The frequency data for this variant in the population databases is considered unreliable, as metrics indicate poor data quality at this position in the gnomAD database. This variant has not been reported in the literature in individuals affected with TCF3-related conditions. ClinVar contains an entry for this variant (Variation ID: 1985873). Invitae Evidence Modeling of protein sequence and biophysical properties (such as structural, functional, and spatial information, amino acid conservation, physicochemical variation, residue mobility, and thermodynamic stability) indicates that this missense variant is expected to disrupt TCF3 protein function with a positive predictive value of 80%. In summary, the available evidence is currently insufficient to determine the role of this variant in disease. Therefore, it has been classified as a Variant of Uncertain Significance.

Ambry Genetics
Classification: Uncertain significance for Inborn genetic diseases. Last evaluated: 2025-11-05. Review status: criteria provided, single submitter. Criteria: Ambry Variant Classification Scheme 2023. Collection method: clinical testing. Allele origin: germline.

NM_003200.5(TCF3):c.1312C>T (p.Arg438Trp)

Gene: TCF3 (transcription factor 3; minus strand). Cytogenetic location: 19p13.3.
Variant type: single nucleotide variant.
Coding change: c.1312C>T on transcript NM_003200.5 (MANE Select); coding-DNA position 1312, C replaced by T.
Protein change: p.Arg438Trp; replaces arginine 438 with tryptophan.
Molecular consequence: missense variant.
Genome position (GRCh38, 1-based): chr19:1,619,330, G>A on the plus strand (C>T on the coding strand, the complement: TCF3 is on the minus strand). VCF-style: chr19-1619330-G-A. GRCh37 (hg19) VCF-style: chr19-1619329-G-A.
Other names: c.1312C>T, p.Arg438Trp (NM_001136139.4, NM_001351779.2); c.1309C>T, p.Arg437Trp (NM_001351778.2); c.1312C>T (NM_003200.3); short protein forms R437W, R438W.
Identifiers: ClinVar variation 1985873 (VCV001985873.5), dbSNP rs781628625, ClinGen allele CA9049937.
Genomic context (GRCh38, chr19:1,619,330, plus strand): 5'-CCGGGTCCCCGCCCACTGCCCAGCTCCACCCTCGCCCAGCGCTCACCAGGCCTGCGTGCC[G>A]CCCGCCCAGTGACATGGGGCCGGTGAAACCTGAGGCCAGCGCCCCGTGGCCAGGCAGCAG-3'
Protein context (NP_003191.1, residues 428-448): GFTGPMSLGG[Arg438Trp]HAGLVGGSHP